The following is an entry in ClinVar:

ClinVar aggregate classification (germline): Uncertain significance (1 of 4 stars; one submission).

Submission:

CeGaT Center for Human Genetics Tuebingen
Classification: Uncertain significance. Last evaluated: 2025-02-01. Review status: criteria provided, single submitter. Criteria: CeGaT Center For Human Genetics Tuebingen Variant Classification Criteria Version 2. Collection method: clinical testing. Allele origin: germline. Affected: yes. Observed: 1 variant allele.
Comment: ATP2B2: PM2, PM4:Supporting

NM_001001331.4(ATP2B2):c.505_507dup (p.Ala169_Phe170insAla)

Gene: ATP2B2 (ATPase plasma membrane Ca2+ transporting 2; minus strand). Cytogenetic location: 3p25.3.
Variant type: Duplication.
Coding change: c.505_507dup on transcript NM_001001331.4 (MANE Select); coding-DNA positions 505 to 507, 3 bases duplicated (GCC; older notation c.505_507dupGCC).
Protein change: p.Ala169_Phe170insAla.
Genome position (GRCh38, 1-based): chr3:10,402,239-10,402,241, GGC duplicated on the plus strand (GCC on the coding strand, the reverse complement: ATP2B2 is on the minus strand). VCF-style (leftmost placement, unchanged base first): chr3-10402238-A-AGGC. GRCh37 (hg19) VCF-style: chr3-10443922-A-AGGC.
Other names: c.505_507dup, p.Ala169_Phe170insAla (NM_001330611.3, NM_001353564.1, NM_001363862.1 and 1 more transcripts).
Identifiers: ClinVar variation 3772545 (VCV003772545.13).